The following is an entry in ClinVar:

ClinVar aggregate classification (germline): Uncertain significance. Review status: criteria provided, multiple submitters, no conflicts (2 of 4 stars). 2 submissions from 2 submitters: Uncertain significance (2). Last evaluated 2024-07-07.

Conditions:
Inborn genetic diseases. Identifiers: MedGen C0950123, MeSH D030342.

Allele frequency attached by ClinVar (database versions not stated): gnomAD 0.00002; TOPMed 0.00002.
gnomAD v4.1: 2 of 1,209,411 alleles (0.00017%); highest among the groups gnomAD compares: African/African-American, 0.0035%; no homozygotes.

Submissions (2):

Ambry Genetics
Classification: Uncertain significance for Inborn genetic diseases. Last evaluated: 2024-07-07. Review status: criteria provided, single submitter. Criteria: Ambry Variant Classification Scheme 2023. Collection method: clinical testing. Allele origin: germline.

GeneDx
Classification: Uncertain significance. Last evaluated: 2024-07-03. Review status: criteria provided, single submitter. Criteria: GeneDx Variant Classification Process June 2021. Collection method: clinical testing. Allele origin: germline. Affected: yes.
Comment: Not observed at significant frequency in large population cohorts (gnomAD); In silico analysis indicates that this missense variant does not alter protein structure/function; Has not been previously published as pathogenic or benign to our knowledge

NM_004208.4(AIFM1):c.808A>G (p.Ile270Val)

Genes: AIFM1 (apoptosis inducing factor mitochondria associated 1; minus strand), RAB33A (RAB33A, member RAS oncogene family; plus strand). Cytogenetic location: Xq26.1.
Variant type: single nucleotide variant.
Coding change: c.808A>G on transcript NM_004208.4 (MANE Select); coding-DNA position 808, A replaced by G.
Protein change: p.Ile270Val; replaces isoleucine 270 with valine.
Molecular consequence: missense variant. On other transcripts: non-coding transcript variant (1).
Genome position (GRCh38, 1-based): chrX:130,139,845, T>C on the plus strand (A>G on the coding strand, the complement: AIFM1 is on the minus strand). VCF-style: chrX-130139845-T-C. GRCh37 (hg19) VCF-style: chrX-129273820-T-C.
Other names: c.808A>G, p.Ile270Val (NM_001130847.4); c.796A>G, p.Ile266Val (NM_145812.3); short protein forms I266V, I270V.
Identifiers: ClinVar variation 1311967 (VCV001311967.5), dbSNP rs1450416950, ClinGen allele CA414582529.